The following is an entry in ClinVar:

NM_007294.4(BRCA1):c.4217A>C (p.Lys1406Thr)

Gene: BRCA1 (BRCA1 DNA repair associated; minus strand). Cytogenetic location: 17q21.31.
Variant type: single nucleotide variant.
Coding change: c.4217A>C on transcript NM_007294.4 (MANE Select); coding-DNA position 4217, A replaced by C.
Protein change: p.Lys1406Thr; replaces lysine 1406 with threonine.
Molecular consequence: missense variant. On other transcripts: non-coding transcript variant (1).
Genome position (GRCh38, 1-based): chr17:43,082,544, T>G on the plus strand (A>C on the coding strand, the complement: BRCA1 is on the minus strand). VCF-style: chr17-43082544-T-G. GRCh37 (hg19) VCF-style: chr17-41234561-T-G.
Other names: c.4004A>C, p.Lys1335Thr (NM_001407571.1, NM_001407853.1, NM_001407894.1 and 12 more transcripts); c.4217A>C, p.Lys1406Thr (NM_001407581.1, NM_001407582.1, NM_001407583.1 and 23 more transcripts); c.4214A>C, p.Lys1405Thr (NM_001407587.1, NM_001407590.1, NM_001407591.1 and 21 more transcripts); c.4211A>C, p.Lys1404Thr (NM_001407627.1, NM_001407628.1, NM_001407629.1 and 5 more transcripts); c.4205A>C, p.Lys1402Thr (NM_001407646.1, NM_001407647.1); c.4094A>C, p.Lys1365Thr (NM_001407648.1, NM_001407664.1, NM_001407665.1 and 13 more transcripts); c.4091A>C, p.Lys1364Thr (NM_001407649.1, NM_001407670.1, NM_001407671.1 and 12 more transcripts); c.4139A>C, p.Lys1380Thr (NM_001407653.1, NM_001407654.1, NM_001407655.1 and 2 more transcripts); and 51 more; short protein forms K303T, K1359T, K1406T, K1293T, K1334T, K1358T, K1363T, K1365T.
Identifiers: ClinVar variation 1363350 (VCV001363350.9), dbSNP rs2154159589, ClinGen allele CA10593288.

ClinVar aggregate classification (germline): Uncertain significance (1 of 4 stars; one submission).

Conditions:
Hereditary breast ovarian cancer syndrome. Also called: Hereditary breast and ovarian cancer; Hereditary breast and/or ovarian cancer syndrome; BRCA1- and BRCA2-Associated Hereditary Breast and Ovarian Cancer; Hereditary breast and ovarian cancer syndrome; Hereditary breast and ovarian cancer syndrome (HBOC); Breast and ovarian cancer. Identifiers: Orphanet 145, MedGen C0677776, MeSH D061325, MONDO:0003582. Disease mechanism: loss of function.

Submission:

Labcorp Genetics (formerly Invitae), Labcorp
Classification: Uncertain significance for Hereditary breast ovarian cancer syndrome. Last evaluated: 2021-06-23. Review status: criteria provided, single submitter. Criteria: Invitae Variant Classification Sherloc (09022015). Collection method: clinical testing. Allele origin: germline.
Comment: Advanced modeling of protein sequence and biophysical properties (such as structural, functional, and spatial information, amino acid conservation, physicochemical variation, residue mobility, and thermodynamic stability) performed at Invitae indicates that this missense variant is not expected to disrupt BRCA1 protein function. In summary, the available evidence is currently insufficient to determine the role of this variant in disease. Therefore, it has been classified as a Variant of Uncertain Significance. This variant has not been reported in the literature in individuals affected with BRCA1-related conditions. This variant is not present in population databases (ExAC no frequency). This sequence change replaces lysine with threonine at codon 1406 of the BRCA1 protein (p.Lys1406Thr). The lysine residue is highly conserved and there is a moderate physicochemical difference between lysine and threonine.